The following is an entry in ClinVar:

ClinVar aggregate classification (germline): Uncertain significance (1 of 4 stars; one submission).

gnomAD v4.1: 5 of 1,580,396 alleles (0.00032%); highest among the groups gnomAD compares: Non-Finnish European, 0.000086%; no homozygotes.

Submission:

Women's Health and Genetics/Laboratory Corporation of America, LabCorp
Classification: Uncertain significance. Last evaluated: 2026-03-23. Review status: criteria provided, single submitter. Criteria: LabCorp Variant Classification Summary - May 2015. Collection method: clinical testing. Allele origin: germline.
Comment: Variant summary: TTN c.16832G>T (p.Arg5611Ile) results in a non-conservative amino acid change in the encoded protein sequence. Algorithms developed to predict the effect of missense changes on protein structure and function are either unavailable or do not agree on the potential impact of this missense change. The variant allele was found at a frequency of 9e-06 in 222988 control chromosomes. The available data on variant occurrences in the general population are insufficient to allow any conclusion about variant significance. To our knowledge, no occurrence of c.16832G>T in individuals affected with TTN-related conditions and no experimental evidence demonstrating its impact on protein function have been reported. No submitters have cited clinical-significance assessments for this variant to ClinVar. Based on the evidence outlined above, the variant was classified as uncertain significance.

Literature cited by the submitters: PubMed 25344691.

NM_001267550.2(TTN):c.20564G>T (p.Arg6855Ile)

Gene: TTN (titin; minus strand). Cytogenetic location: 2q31.2.
Variant type: single nucleotide variant.
Coding change: c.20564G>T on transcript NM_001267550.2 (MANE Select); coding-DNA position 20564, G replaced by T.
Protein change: p.Arg6855Ile; replaces arginine 6855 with isoleucine.
Molecular consequence: missense variant. On other transcripts: intron variant (3).
Genome position (GRCh38, 1-based): chr2:178,725,640, C>A on the plus strand (G>T on the coding strand, the complement: TTN is on the minus strand). VCF-style: chr2-178725640-C-A. GRCh37 (hg19) VCF-style: chr2-179590367-C-A.
Other names: c.19613G>T, p.Arg6538Ile (NM_001256850.1); c.16832G>T, p.Arg5611Ile (NM_133378.4); c.13282+12442G>T (NM_003319.4); c.13858+12442G>T (NM_133437.4); c.13657+12442G>T (NM_133432.3); short protein forms R5611I, R6538I, R6855I.
Identifiers: ClinVar variation 4847049 (VCV004847049.1).